The following is an entry in ClinVar:

ClinVar aggregate classification (germline): Pathogenic (1 of 4 stars; one submission).

Conditions:
Severe myoclonic epilepsy in infancy (DRVT). Also called: Epileptic encephalopathy, early infantile, 6 (Dravet syndrome); SEVERE MYOCLONIC EPILEPSY OF INFANCY; DEVELOPMENTAL AND EPILEPTIC ENCEPHALOPATHY 6A; Severe Myoclonic Epilepsy in Infancy (SMEI); Dravet syndrome. Identifiers: Orphanet 33069, MedGen C0751122, MONDO:0100135, OMIM 607208.

Submission:

Center for Bioinformatics, Peking University
Classification: Pathogenic for Dravet syndrome. Last evaluated: 2014-12-20. Review status: criteria provided, single submitter. Criteria: Xu et al. (Hum Mutat. 2015). Collection method: research. Allele origin: de novo. Affected: yes. Observed: 2 variant alleles. Study: University Clinical Cooperation “985 Project” PKU-2014-1-1.
Comment: Dravet syndrome (DS) probands were recruited from the outpatient and inpatient child neurology units of Peking University First Hospital from 2005 till present. The study was approved by the Ethics Committee of Peking University First Hospital and the Institutional Review Board at Peking University. Participants or their parents provided written informed consent before enrollment. We collected a total of 267 mutations from 255 families with probands diagnosed with DS in China. All probands fulfilled the clinical diagnostic criteria.

NM_001165963.4(SCN1A):c.2261G>T (p.Trp754Leu)

Gene: SCN1A (sodium voltage-gated channel alpha subunit 1; minus strand). Cytogenetic location: 2q24.3.
Variant type: single nucleotide variant.
Coding change: c.2261G>T on transcript NM_001165963.4 (MANE Select); coding-DNA position 2261, G replaced by T.
Protein change: p.Trp754Leu; replaces tryptophan 754 with leucine.
Molecular consequence: missense variant. On other transcripts: 5 prime UTR variant (1), non-coding transcript variant (1).
Genome position (GRCh38, 1-based): chr2:166,041,385, C>A on the plus strand (G>T on the coding strand, the complement: SCN1A is on the minus strand). VCF-style: chr2-166041385-C-A. GRCh37 (hg19) VCF-style: chr2-166897895-C-A.
Other names: c.2177G>T, p.Trp726Leu (NM_001165964.3, NM_001353957.2, NM_001353958.2); c.2261G>T, p.Trp754Leu (NM_001202435.3, NM_001353948.2); c.2228G>T, p.Trp743Leu (NM_001353949.2, NM_001353950.2, NM_001353951.2 and 2 more transcripts); c.2225G>T, p.Trp742Leu (NM_001353954.2, NM_001353955.2); c.2174G>T, p.Trp725Leu (NM_001353960.2); c.-198G>T (NM_001353961.2); short protein forms W743L, W754L, W726L, W725L, W742L.
Identifiers: ClinVar variation 189901 (VCV000189901.1), dbSNP rs794726743, ClinGen allele CA303254.